The following is an entry in ClinVar:

NM_198253.3(TERT):c.413G>C (p.Gly138Ala)

Gene: TERT (telomerase reverse transcriptase; minus strand). Cytogenetic location: 5p15.33.
Variant type: single nucleotide variant.
Coding change: c.413G>C on transcript NM_198253.3 (MANE Select); coding-DNA position 413, G replaced by C.
Protein change: p.Gly138Ala; replaces glycine 138 with alanine.
Molecular consequence: missense variant. On other transcripts: non-coding transcript variant (2).
Genome position (GRCh38, 1-based): chr5:1,294,473, C>G on the plus strand (G>C on the coding strand, the complement: TERT is on the minus strand). VCF-style: chr5-1294473-C-G. GRCh37 (hg19) VCF-style: chr5-1294588-C-G.
Other names: c.413G>C, p.Gly138Ala (NM_001193376.3, NM_003219.1); short protein forms G138A.
Identifiers: ClinVar variation 1738149 (VCV001738149.7), dbSNP rs2478428126, ClinGen allele CA359058080.

ClinVar aggregate classification (germline): Uncertain significance. Review status: criteria provided, multiple submitters, no conflicts (2 of 4 stars). 2 submissions from 2 submitters: Uncertain significance (2). Last evaluated 2025-01-30.

Conditions:
Dyskeratosis congenita. Identifiers: Orphanet 1775, MedGen C0265965, MONDO:0015780.
Dyskeratosis congenita, autosomal dominant 2. Identifiers: MedGen C3151443, MONDO:0013521, OMIM 613989.
Idiopathic Pulmonary Fibrosis. Also called: Idiopathic fibrosing alveolitis, chronic form; idiopathic fibrosing alveolitis. Identifiers: Orphanet 2032, MedGen C1800706, MeSH D054990, MONDO:0800504.

Allele frequency attached by ClinVar (database versions not stated): gnomAD exomes below 0.00001.
gnomAD v4.1: 2 of 1,590,392 alleles (0.00013%); highest among the groups gnomAD compares: Middle Eastern, 0.034%; no homozygotes.

Submissions (2):

Labcorp Genetics (formerly Invitae), Labcorp
Classification: Uncertain significance for Dyskeratosis congenita, autosomal dominant 2; Idiopathic Pulmonary Fibrosis. Last evaluated: 2025-01-30. Review status: criteria provided, single submitter. Criteria: Invitae Variant Classification Sherloc (09022015). Collection method: clinical testing. Allele origin: germline.
Comment: This sequence change replaces glycine, which is neutral and non-polar, with alanine, which is neutral and non-polar, at codon 138 of the TERT protein (p.Gly138Ala). This variant is not present in population databases (gnomAD no frequency). This variant has not been reported in the literature in individuals affected with TERT-related conditions. ClinVar contains an entry for this variant (Variation ID: 1738149). An algorithm developed to predict the effect of missense changes on protein structure and function outputs the following: PolyPhen-2: "Benign". The alanine amino acid residue is found in multiple mammalian species, which suggests that this missense change does not adversely affect protein function. In summary, the available evidence is currently insufficient to determine the role of this variant in disease. Therefore, it has been classified as a Variant of Uncertain Significance.

Ambry Genetics
Classification: Uncertain significance for Dyskeratosis congenita. Last evaluated: 2022-09-17. Review status: criteria provided, single submitter. Criteria: Ambry Variant Classification Scheme 2023. Collection method: clinical testing. Allele origin: germline.
Comment: The p.G138A variant (also known as c.413G>C), located in coding exon 2 of the TERT gene, results from a G to C substitution at nucleotide position 413. The glycine at codon 138 is replaced by alanine, an amino acid with similar properties. This amino acid position is conserved. In addition, this alteration is predicted to be tolerated by in silico analysis. Since supporting evidence is limited at this time, the clinical significance of this alteration remains unclear.